The following is an entry in ClinVar:

NM_033109.5(PNPT1):c.866+8C>T

Gene: PNPT1 (polyribonucleotide nucleotidyltransferase 1; minus strand). Cytogenetic location: 2p16.1.
Variant type: single nucleotide variant.
Coding change: c.866+8C>T on transcript NM_033109.5 (MANE Select); 8 bases into the intron after coding-DNA position 866, C replaced by T.
Molecular consequence: intron variant.
Genome position (GRCh38, 1-based): chr2:55,672,885, G>A on the plus strand (C>T on the coding strand, the complement: PNPT1 is on the minus strand). VCF-style: chr2-55672885-G-A. GRCh37 (hg19) VCF-style: chr2-55900020-G-A.
Identifiers: ClinVar variation 1879469 (VCV001879469.33), dbSNP rs377218810, ClinGen allele CA1668329.

ClinVar aggregate classification (germline): Likely benign. Review status: criteria provided, multiple submitters, no conflicts (2 of 4 stars). 3 submissions from 3 submitters: Likely benign (3). Last evaluated 2026-01-16.

Allele frequency attached by ClinVar (database versions not stated): ExAC 0.00002; ESP Exome Variant Server 0.00008.

Submissions (3):

Women's Health and Genetics/Laboratory Corporation of America, LabCorp
Classification: Likely benign. Last evaluated: 2026-01-16. Review status: criteria provided, single submitter. Criteria: LabCorp Variant Classification Summary - May 2015. Collection method: clinical testing. Allele origin: germline.

Labcorp Genetics (formerly Invitae), Labcorp
Classification: Likely benign. Last evaluated: 2024-07-19. Review status: criteria provided, single submitter. Criteria: Invitae Variant Classification Sherloc (09022015). Collection method: clinical testing. Allele origin: germline.

CeGaT Center for Human Genetics Tuebingen
Classification: Likely benign. Last evaluated: 2022-12-01. Review status: criteria provided, single submitter. Criteria: CeGaT Center For Human Genetics Tuebingen Variant Classification Criteria Version 2. Collection method: clinical testing. Allele origin: germline. Affected: yes. Observed: 1 variant allele.
Comment: PNPT1: BP4